The following is an entry in ClinVar:

NM_000860.6(HPGD):c.391G>A (p.Gly131Ser)

Gene: HPGD (15-hydroxyprostaglandin dehydrogenase; minus strand). Cytogenetic location: 4q34.1.
Variant type: single nucleotide variant.
Coding change: c.391G>A on transcript NM_000860.6 (MANE Select); coding-DNA position 391, G replaced by A.
Protein change: p.Gly131Ser; replaces glycine 131 with serine.
Molecular consequence: missense variant. On other transcripts: intron variant (1).
Genome position (GRCh38, 1-based): chr4:174,508,726, C>T on the plus strand (G>A on the coding strand, the complement: HPGD is on the minus strand). VCF-style: chr4-174508726-C-T. GRCh37 (hg19) VCF-style: chr4-175429877-C-T.
Other names: c.391G>A, p.Gly131Ser (NM_001145816.3, NM_001256305.2, NM_001363574.2); c.28G>A, p.Gly10Ser (NM_001256301.1, NM_001256307.2); c.218-13102G>A (NM_001256306.2); short protein forms G131S, G10S.
Identifiers: ClinVar variation 1418466 (VCV001418466.6), dbSNP rs772802646, ClinGen allele CA3142298.

ClinVar aggregate classification (germline): Uncertain significance (1 of 4 stars; one submission).

Allele frequency attached by ClinVar (database versions not stated): gnomAD 0.00002; TOPMed 0.00002; gnomAD exomes 0.00003; ExAC 0.00004.

Submission:

Labcorp Genetics (formerly Invitae), Labcorp
Classification: Uncertain significance. Last evaluated: 2024-08-15. Review status: criteria provided, single submitter. Criteria: Invitae Variant Classification Sherloc (09022015). Collection method: clinical testing. Allele origin: germline.
Comment: This sequence change replaces glycine, which is neutral and non-polar, with serine, which is neutral and polar, at codon 131 of the HPGD protein (p.Gly131Ser). This variant is present in population databases (rs772802646, gnomAD 0.006%). This variant has not been reported in the literature in individuals affected with HPGD-related conditions. ClinVar contains an entry for this variant (Variation ID: 1418466). An algorithm developed to predict the effect of missense changes on protein structure and function (PolyPhen-2) suggests that this variant is likely to be disruptive. In summary, the available evidence is currently insufficient to determine the role of this variant in disease. Therefore, it has been classified as a Variant of Uncertain Significance.